The following is an entry in ClinVar:

ClinVar aggregate classification (germline): Likely benign (1 of 4 stars; one submission).

gnomAD v4.1: 46 of 1,608,986 alleles (0.0029%); highest among the groups gnomAD compares: East Asian, 0.0045%; no homozygotes.

Submission:

CeGaT Center for Human Genetics Tuebingen
Classification: Likely benign. Last evaluated: 2026-07-01. Review status: criteria provided, single submitter. Criteria: CeGaT Center For Human Genetics Tuebingen Variant Classification Criteria Version 2. Collection method: clinical testing. Allele origin: germline. Affected: yes. Observed: 1 variant allele.
Comment: PKNOX2: BP4, BP7

NM_001382323.2(PKNOX2):c.243G>A (p.Pro81=)

Gene: PKNOX2 (PBX/knotted 1 homeobox 2; plus strand). Cytogenetic location: 11q24.2.
Variant type: single nucleotide variant.
Coding change: c.243G>A on transcript NM_001382323.2 (MANE Select); coding-DNA position 243, G replaced by A.
Protein change: p.Pro81=; no amino-acid change (proline 81 retained).
Molecular consequence: synonymous variant. On other transcripts: non-coding transcript variant (4).
Genome position (GRCh38, 1-based): chr11:125,385,566, G>A. VCF-style: chr11-125385566-G-A. GRCh37 (hg19) VCF-style: chr11-125255462-G-A.
Other names: c.243G>A, p.Pro81= (NM_001382324.1, NM_001382325.1, NM_001382326.1 and 6 more transcripts); c.156G>A, p.Pro52= (NM_001382329.1, NM_001382330.1, NM_001382331.1 and 5 more transcripts); c.51G>A, p.Pro17= (NM_001382340.1).
Identifiers: ClinVar variation 5039094 (VCV005039094.1).
Genomic context (GRCh38, chr11:125,385,566, plus strand): 5'-CGGTCTCTGTGTGTGCGCATGTGTGAGCTCTTGATGTCCCTGCAGGCACCCTCTTTTCCC[G>A]CTCCTGACGCTGCTGTTTGAGAAATGTGAACAGGCCACCCAGGGCTCTGAGTGCATCACC-3'
Protein context (NP_001369252.1, residues 71-91): KRAVYRHPLF[Pro81=]LLTLLFEKCE